The following is an entry in ClinVar:

NM_005883.3(APC2):c.4873G>A (p.Ala1625Thr)

Gene: APC2 (APC regulator of Wnt signaling pathway 2; plus strand). Cytogenetic location: 19p13.3.
Variant type: single nucleotide variant.
Coding change: c.4873G>A on transcript NM_005883.3 (MANE Select); coding-DNA position 4873, G replaced by A.
Protein change: p.Ala1625Thr; replaces alanine 1625 with threonine.
Molecular consequence: missense variant.
Genome position (GRCh38, 1-based): chr19:1,468,174, G>A. VCF-style: chr19-1468174-G-A. GRCh37 (hg19) VCF-style: chr19-1468173-G-A.
Other names: c.4870G>A, p.Ala1624Thr (NM_001351273.1); c.4873G>A (NM_005883.2); short protein forms A1625T, A1624T.
Identifiers: ClinVar variation 1488938 (VCV001488938.7), dbSNP rs923953881, ClinGen allele CA304080925.

ClinVar aggregate classification (germline): Conflicting classifications of pathogenicity. Review status: criteria provided, conflicting classifications (1 of 4 stars). 3 submissions from 3 submitters: Uncertain significance (1); Likely benign (2). Last evaluated 2024-10-16.

Conditions:
APC2-related disorder. Also called: APC2-related condition; APC2-Related Disorders.
Inborn genetic diseases. Identifiers: MedGen C0950123, MeSH D030342.

gnomAD v4.1: 132 of 1,452,416 alleles (0.0091%); highest among the groups gnomAD compares: African/African-American, 0.18%; no homozygotes.

Submissions (3):

PreventionGenetics, part of Exact Sciences
Classification: Likely benign for APC2-related condition. Last evaluated: 2024-10-16. Review status: criteria provided, single submitter. Criteria: ACMG Guidelines, 2015. Collection method: clinical testing. Allele origin: germline.
Comment: This variant is classified as likely benign based on ACMG/AMP sequence variant interpretation guidelines (Richards et al. 2015 PMID: 25741868, with internal and published modifications).

Ambry Genetics
Classification: Likely benign for Inborn genetic diseases. Last evaluated: 2022-09-19. Review status: criteria provided, single submitter. Criteria: Ambry Variant Classification Scheme 2023. Collection method: clinical testing. Allele origin: germline.

Labcorp Genetics (formerly Invitae), Labcorp
Classification: Uncertain significance. Last evaluated: 2022-07-18. Review status: criteria provided, single submitter. Criteria: Invitae Variant Classification Sherloc (09022015). Collection method: clinical testing. Allele origin: germline.
Comment: This sequence change replaces alanine, which is neutral and non-polar, with threonine, which is neutral and polar, at codon 1625 of the APC2 protein (p.Ala1625Thr). The frequency data for this variant in the population databases is considered unreliable, as metrics indicate poor data quality at this position in the gnomAD database. This variant has not been reported in the literature in individuals affected with APC2-related conditions. ClinVar contains an entry for this variant (Variation ID: 1488938). Algorithms developed to predict the effect of missense changes on protein structure and function (SIFT, PolyPhen-2, Align-GVGD) all suggest that this variant is likely to be tolerated. In summary, the available evidence is currently insufficient to determine the role of this variant in disease. Therefore, it has been classified as a Variant of Uncertain Significance.